The following is an entry in ClinVar:

NM_001271876.1(ESR2):c.1421A>C (p.Lys474Thr)

Gene: ESR2 (estrogen receptor 2; minus strand). Cytogenetic location: 14q23.2.
Variant type: single nucleotide variant.
Coding change: c.1421A>C on transcript NM_001271876.1; coding-DNA position 1421, A replaced by C.
Protein change: p.Lys474Thr; replaces lysine 474 with threonine.
Molecular consequence: missense variant. On other transcripts: intron variant (4).
Genome position (GRCh38, 1-based): chr14:64,228,031, T>G on the plus strand (A>C on the coding strand, the complement: ESR2 is on the minus strand). VCF-style: chr14-64228031-T-G. GRCh37 (hg19) VCF-style: chr14-64694749-T-G.
Other names: c.1407-417A>C (NM_001291712.2, NM_001291723.1, NM_001040275.1); c.1407-102A>C (NM_001214902.1); short protein forms K474T.
Identifiers: ClinVar variation 1260211 (VCV001260211.7), dbSNP rs17225885, ClinGen allele CA7225110.

ClinVar aggregate classification (germline): Benign. Review status: criteria provided, multiple submitters, no conflicts (2 of 4 stars). 3 submissions from 3 submitters: Benign (2). 1 of the submissions does not count toward it. Last evaluated 2018-07-10.

Conditions:
ESR2-related disorder. Also called: ESR2-related condition.

Allele frequency attached by ClinVar (database versions not stated): 1000 Genomes Project 0.10164; gnomAD 0.07227 and 0.07309; TOPMed 0.07575; 1000 Genomes Project 30x 0.10259.
gnomAD v4.1: 79,326 of 1,488,042 alleles (5.3%); highest among the groups gnomAD compares: African/African-American, 12%; 2,579 homozygotes.

Submissions (3):

GeneDx
Classification: Benign. Last evaluated: 2018-07-10. Review status: criteria provided, single submitter. Criteria: GeneDx Variant Classification Process June 2021. Collection method: clinical testing. Allele origin: germline. Affected: yes.

Breakthrough Genomics
Classification: Benign. Review status: criteria provided, single submitter. Criteria: ACMG Guidelines, 2015. Collection method: not provided. Allele origin: germline. Inheritance: Autosomal dominant inheritance. Affected: yes.

PreventionGenetics, part of Exact Sciences
Classification: Benign for ESR2-related condition. Last evaluated: 2019-06-19. Review status: no assertion criteria provided. Collection method: clinical testing. Allele origin: germline. Not counted in ClinVar's aggregate classification.
Comment: This variant is classified as benign based on ACMG/AMP sequence variant interpretation guidelines (Richards et al. 2015 PMID: 25741868, with internal and published modifications).